The following is an entry in ClinVar:

ClinVar aggregate classification (germline): Uncertain significance. Review status: criteria provided, multiple submitters, no conflicts (2 of 4 stars). 2 submissions from 2 submitters: Uncertain significance (2). Last evaluated 2024-06-17.

Conditions:
Spermatogenic failure 45. Identifiers: MedGen C5436791, MONDO:0033671, OMIM 619094.
Inborn genetic diseases. Identifiers: MedGen C0950123, MeSH D030342.

Submissions (2):

Ambry Genetics
Classification: Uncertain significance for Inborn genetic diseases. Last evaluated: 2024-06-17. Review status: criteria provided, single submitter. Criteria: Ambry Variant Classification Scheme 2023. Collection method: clinical testing. Allele origin: germline.

Juno Genomics, Hangzhou Juno Genomics, Inc
Classification: Uncertain significance for Spermatogenic failure 45. Review status: criteria provided, single submitter. Criteria: ACMG Guidelines, 2015. Collection method: clinical testing. Allele origin: germline.
Comment: Absent from controls (or at extremely low frequency if recessive) in Genome Aggregation Database.;Missense variant in a gene that has a low rate of benign missense variation.

NM_020877.5(DNAH2):c.3778A>G (p.Met1260Val)

Gene: DNAH2 (dynein axonemal heavy chain 2; plus strand). Cytogenetic location: 17p13.1.
Variant type: single nucleotide variant.
Coding change: c.3778A>G on transcript NM_020877.5 (MANE Select); coding-DNA position 3778, A replaced by G.
Protein change: p.Met1260Val; replaces methionine 1260 with valine.
Molecular consequence: missense variant.
Genome position (GRCh38, 1-based): chr17:7,768,002, A>G. VCF-style: chr17-7768002-A-G. GRCh37 (hg19) VCF-style: chr17-7671320-A-G.
Other names: short protein forms M1260V.
Identifiers: ClinVar variation 3272806 (VCV003272806.3).
Genomic context (GRCh38, chr17:7,768,002, plus strand): 5'-TGGGAGGAGAACTGGAATGAGTGGAAGACTGGCCGGTTCCTGATCCTGCAGACGGAAACC[A>G]TGGAGACCACGGCCCACGGGCTGTTTCGTCGCCTCACAAAATTAGCCAAAGAGTATAAGG-3'
Protein context (NP_065928.2, residues 1250-1270): GRFLILQTET[Met1260Val]ETTAHGLFRR